The following is an entry in ClinVar:

ClinVar aggregate classification (germline): Conflicting classifications of pathogenicity. Review status: criteria provided, conflicting classifications (1 of 4 stars). 5 submissions from 5 submitters: Uncertain significance (1); Benign (1); Likely benign (2). 1 of the submissions does not count toward it. Last evaluated 2025-12-17.

Conditions:
Alagille syndrome due to a JAG1 point mutation. Also called: JAG1-Related Alagille Syndrome; Alagille Syndrome 1; HEPATIC DUCTULAR HYPOPLASIA, SYNDROMATIC. Identifiers: Orphanet 261619, Orphanet 52, MedGen C1956125, MONDO:0016862, OMIM 118450.
JAG1-related disorder. Also called: JAG1-related disorders; JAG1-related condition.

Allele frequency attached by ClinVar (database versions not stated): gnomAD exomes 0.00008 and 0.00016; ExAC 0.00014; TOPMed 0.00014; 1000 Genomes Project 0.00040; 1000 Genomes Project 30x 0.00047.
gnomAD v4.1: 130 of 1,614,112 alleles (0.0081%); highest among the groups gnomAD compares: South Asian, 0.082%; no homozygotes.

Submissions (5):

Labcorp Genetics (formerly Invitae), Labcorp
Classification: Likely benign for Alagille syndrome due to a JAG1 point mutation. Last evaluated: 2025-12-17. Review status: criteria provided, single submitter. Criteria: Invitae Variant Classification Sherloc (09022015). Collection method: clinical testing. Allele origin: germline.

Blueprint Genetics
Classification: Benign. Last evaluated: 2024-04-12. Review status: criteria provided, single submitter. Criteria: ACMG Guidelines, 2015. Collection method: clinical testing. Allele origin: germline.

GeneDx
Classification: Likely benign. Last evaluated: 2018-01-22. Review status: criteria provided, single submitter. Criteria: GeneDx Variant Classification (06012015). Collection method: clinical testing. Allele origin: germline. Affected: yes.
Comment: This variant is considered likely benign or benign based on one or more of the following criteria: it is a conservative change, it occurs at a poorly conserved position in the protein, it is predicted to be benign by multiple in silico algorithms, and/or has population frequency not consistent with disease.

Eurofins Ntd Llc (ga)
Classification: Uncertain significance. Last evaluated: 2017-02-02. Review status: criteria provided, single submitter. Criteria: EGL Classification Definitions 2015. Collection method: clinical testing. Allele origin: germline. Observed: 1 variant allele, 1 heterozygote.

PreventionGenetics, part of Exact Sciences
Classification: Likely benign for JAG1-related condition. Last evaluated: 2023-04-05. Review status: no assertion criteria provided. Collection method: clinical testing. Allele origin: germline. Not counted in ClinVar's aggregate classification.
Comment: This variant is classified as likely benign based on ACMG/AMP sequence variant interpretation guidelines (Richards et al. 2015 PMID: 25741868, with internal and published modifications).

NM_000214.3(JAG1):c.1628G>A (p.Arg543His)

Gene: JAG1 (jagged canonical Notch ligand 1; minus strand). Cytogenetic location: 20p12.2.
Variant type: single nucleotide variant.
Coding change: c.1628G>A on transcript NM_000214.3 (MANE Select); coding-DNA position 1628, G replaced by A.
Protein change: p.Arg543His; replaces arginine 543 with histidine.
Molecular consequence: missense variant.
Genome position (GRCh38, 1-based): chr20:10,648,052, C>T on the plus strand (G>A on the coding strand, the complement: JAG1 is on the minus strand). VCF-style: chr20-10648052-C-T. GRCh37 (hg19) VCF-style: chr20-10628700-C-T.
Other names: c.1628G>A, p.Arg543His (LRG_1191t1); short protein forms R543H.
Identifiers: ClinVar variation 500328 (VCV000500328.17), dbSNP rs544877858, ClinGen allele CA9764801.